The following is an entry in ClinVar:

ClinVar aggregate classification (germline): Pathogenic (1 of 4 stars; one submission).

Conditions:
Paediatric disorders.

Submission:

North West Genomic Laboratory Hub, Manchester University NHS Foundation Trust
Classification: Pathogenic for Paediatric disorders. Last evaluated: 2026-09-24. Review status: criteria provided, single submitter. Criteria: ACGS Best Practice Guidelines for Variant Classification in Rare Disease 2024. Collection method: clinical testing. Allele origin: germline. Affected: yes.
Comment: PM2_Mod PVS1_VStr

NM_001378418.1(TCF20):c.5410del (p.Arg1804fs)

Gene: TCF20 (transcription factor 20; minus strand). Cytogenetic location: 22q13.2.
Variant type: Deletion.
Coding change: c.5410del on transcript NM_001378418.1 (MANE Select); coding-DNA position 5410, one base deleted (A; older notation c.5410delA).
Protein change: p.Arg1804fs; shifts the reading frame from arginine 1804.
Molecular consequence: frameshift variant.
Genome position (GRCh38, 1-based): chr22:42,209,896, T deleted on the plus strand (A on the coding strand, the reverse complement: TCF20 is on the minus strand). VCF-style (leftmost placement, unchanged base first): chr22-42209895-CT-C. GRCh37 (hg19) VCF-style: chr22-42605901-CT-C.
Other names: c.5410del, p.Arg1804fs (NM_005650.4, NM_181492.3); short protein forms R1804fs.
Identifiers: ClinVar variation 5020072 (VCV005020072.1).